The following is an entry in ClinVar:

ClinVar aggregate classification (germline): Uncertain significance. Review status: criteria provided, multiple submitters, no conflicts (2 of 4 stars). 2 submissions from 2 submitters: Uncertain significance (2). Last evaluated 2023-01-12.

Submissions (2):

GeneDx
Classification: Uncertain significance. Last evaluated: 2023-01-12. Review status: criteria provided, single submitter. Criteria: GeneDx Variant Classification Process June 2021. Collection method: clinical testing. Allele origin: germline. Affected: yes.
Comment: Not observed at significant frequency in large population cohorts (gnomAD); In silico analysis supports that this missense variant has a deleterious effect on protein structure/function; Has not been previously published as pathogenic or benign to our knowledge

Labcorp Genetics (formerly Invitae), Labcorp
Classification: Uncertain significance. Last evaluated: 2022-03-19. Review status: criteria provided, single submitter. Criteria: Invitae Variant Classification Sherloc (09022015). Collection method: clinical testing. Allele origin: germline.
Comment: In summary, the available evidence is currently insufficient to determine the role of this variant in disease. Therefore, it has been classified as a Variant of Uncertain Significance. Algorithms developed to predict the effect of missense changes on protein structure and function (SIFT, PolyPhen-2, Align-GVGD) all suggest that this variant is likely to be disruptive. This variant has not been reported in the literature in individuals affected with MYH3-related conditions. This variant is not present in population databases (gnomAD no frequency). This sequence change replaces isoleucine, which is neutral and non-polar, with asparagine, which is neutral and polar, at codon 337 of the MYH3 protein (p.Ile337Asn).

NM_002470.4(MYH3):c.1010T>A (p.Ile337Asn)

Gene: MYH3 (myosin heavy chain 3; minus strand). Cytogenetic location: 17p13.1.
Variant type: single nucleotide variant.
Coding change: c.1010T>A on transcript NM_002470.4 (MANE Select); coding-DNA position 1010, T replaced by A.
Protein change: p.Ile337Asn; replaces isoleucine 337 with asparagine.
Molecular consequence: missense variant.
Genome position (GRCh38, 1-based): chr17:10,645,838, A>T on the plus strand (T>A on the coding strand, the complement: MYH3 is on the minus strand). VCF-style: chr17-10645838-A-T. GRCh37 (hg19) VCF-style: chr17-10549155-A-T.
Other names: c.1010T>A (NM_002470.3); short protein forms I337N.
Identifiers: ClinVar variation 2114706 (VCV002114706.5), dbSNP rs2508626313, ClinGen allele CA398176568.
Genomic context (GRCh38, chr17:10,645,838, plus strand): 5'-ACGGCTCCCGTCAGCTTGTAGAGCCCAGATTTCTCTTCTGGGGTGAAGCCCAGGATGTCA[A>T]TGGCGCTCTGGCATGGAAAGGGCAGCACGTCAGTCAGTTGGCCCCAGTGATGGAGGAGGA-3'
Protein context (NP_002461.2, residues 327-347): AEELLATDSA[Ile337Asn]DILGFTPEEK